The following is an entry in ClinVar:

NM_007294.4(BRCA1):c.5343A>G (p.Glu1781=)

Gene: BRCA1 (BRCA1 DNA repair associated; minus strand). Cytogenetic location: 17q21.31.
Variant type: single nucleotide variant.
Coding change: c.5343A>G on transcript NM_007294.4 (MANE Select); coding-DNA position 5343, A replaced by G.
Protein change: p.Glu1781=; no amino-acid change (glutamic acid 1781 retained).
Molecular consequence: synonymous variant. On other transcripts: intron variant (19).
Genome position (GRCh38, 1-based): chr17:43,049,184, T>C on the plus strand (A>G on the coding strand, the complement: BRCA1 is on the minus strand). VCF-style: chr17-43049184-T-C. GRCh37 (hg19) VCF-style: chr17-41201201-T-C.
Other names: c.5130A>G, p.Glu1710= (NM_001407571.1, NM_001407894.1, NM_001407895.1 and 12 more transcripts); c.5409A>G, p.Glu1803= (NM_001407581.1, NM_001407582.1); c.5406A>G, p.Glu1802= (NM_001407583.1, NM_001407585.1, NM_001407587.1 and 1 more transcripts); c.5403A>G, p.Glu1801= (NM_001407590.1, NM_001407591.1); c.5343A>G, p.Glu1781= (NM_001407593.1, NM_001407594.1, NM_001407596.1 and 5 more transcripts); c.5340A>G, p.Glu1780= (NM_001407610.1, NM_001407611.1, NM_001407612.1 and 14 more transcripts); c.5337A>G, p.Glu1779= (NM_001407627.1, NM_001407628.1, NM_001407629.1 and 13 more transcripts); c.5334A>G, p.Glu1778= (NM_001407644.1, NM_001407645.1); and 84 more.
Identifiers: ClinVar variation 868355 (VCV000868355.3), dbSNP rs1555575182, ClinGen allele CA500143315.

Conditions:
Breast-ovarian cancer, familial, susceptibility to, 1 (BROVCA1). Also called: BRCA1 Hereditary Breast and Ovarian Cancer; OVARIAN CANCER, SUSCEPTIBILITY TO. Identifiers: Orphanet 145, MedGen C2676676, MONDO:0011450, OMIM 604370. Disease mechanism: loss of function.

Submission:

Brotman Baty Institute, University of Washington
No classification provided (evidence only). Condition: Breast-ovarian cancer, familial 1. Review status: no classification provided. Collection method: in vitro. Allele origin: not applicable. Functional consequence: functionally_normal.
ClinVar note: "not provided" was previously submitted as the classification for the variant. However, the classification appeared to be based only on an observation of functional data so it was converted to no classification on 2025-07-30.